The following is an entry in ClinVar:

NM_000082.4(ERCC8):c.659C>G (p.Ser220Ter)

Gene: ERCC8 (ERCC excision repair 8, CSA ubiquitin ligase complex subunit; minus strand). Cytogenetic location: 5q12.1.
Variant type: single nucleotide variant.
Coding change: c.659C>G on transcript NM_000082.4 (MANE Select); coding-DNA position 659, C replaced by G.
Protein change: p.Ser220Ter; replaces serine 220 with a stop codon.
Molecular consequence: nonsense.
Genome position (GRCh38, 1-based): chr5:60,899,686, G>C on the plus strand (C>G on the coding strand, the complement: ERCC8 is on the minus strand). VCF-style: chr5-60899686-G-C. GRCh37 (hg19) VCF-style: chr5-60195513-G-C.
Other names: c.485C>G, p.Ser162Ter (NM_001007233.3); c.200C>G, p.Ser67Ter (NM_001290285.2); short protein forms S220*, S67*, S162*.
Identifiers: ClinVar variation 2152001 (VCV002152001.4), dbSNP rs369961779, ClinGen allele CA359825714.

ClinVar aggregate classification (germline): Pathogenic (1 of 4 stars; one submission).

Submission:

Labcorp Genetics (formerly Invitae), Labcorp
Classification: Pathogenic. Last evaluated: 2024-10-21. Review status: criteria provided, single submitter. Criteria: Invitae Variant Classification Sherloc (09022015). Collection method: clinical testing. Allele origin: germline.
Comment: This sequence change creates a premature translational stop signal (p.Ser220*) in the ERCC8 gene. It is expected to result in an absent or disrupted protein product. Loss-of-function variants in ERCC8 are known to be pathogenic (PMID: 29572252). This variant is not present in population databases (gnomAD no frequency). This premature translational stop signal has been observed in individual(s) with Cockayne syndrome (PMID: 29572252). ClinVar contains an entry for this variant (Variation ID: 2152001). For these reasons, this variant has been classified as Pathogenic.

Literature cited by the submitters: PubMed 29572252.